The following is an entry in ClinVar:

NM_176787.5(PIGN):c.2330G>A (p.Arg777Gln)

Gene: PIGN (phosphatidylinositol glycan anchor biosynthesis class N; minus strand). Cytogenetic location: 18q21.33.
Variant type: single nucleotide variant.
Coding change: c.2330G>A on transcript NM_176787.5 (MANE Select); coding-DNA position 2330, G replaced by A.
Protein change: p.Arg777Gln; replaces arginine 777 with glutamine.
Molecular consequence: missense variant.
Genome position (GRCh38, 1-based): chr18:62,088,796, C>T on the plus strand (G>A on the coding strand, the complement: PIGN is on the minus strand). VCF-style: chr18-62088796-C-T. GRCh37 (hg19) VCF-style: chr18-59756029-C-T.
Other names: c.2330G>A, p.Arg777Gln (NM_012327.6); short protein forms R777Q.
Identifiers: ClinVar variation 1021786 (VCV001021786.8), dbSNP rs1367034182, ClinGen allele CA402601970.

ClinVar aggregate classification (germline): Uncertain significance. Review status: criteria provided, multiple submitters, no conflicts (2 of 4 stars). 2 submissions from 2 submitters: Uncertain significance (2). Last evaluated 2021-08-30.

Conditions:
Inborn genetic diseases. Identifiers: MedGen C0950123, MeSH D030342.
Multiple congenital anomalies-hypotonia-seizures syndrome 1 (MCAHS1). Also called: PIGN-CDG; Congenital disorder of glycosylation due to PIGN deficiency; GLYCOSYLPHOSPHATIDYLINOSITOL BIOSYNTHESIS DEFECT 3. Identifiers: Orphanet 280633, MedGen C3279775, MONDO:0013563, OMIM 614080.

Allele frequency attached by ClinVar (database versions not stated): TOPMed 0.00001; gnomAD exomes 0.00001; gnomAD 0.00001.
gnomAD v4.1: 7 of 1,564,356 alleles (0.00045%); highest among the groups gnomAD compares: African/African-American, 0.0027%; no homozygotes.

Submissions (2):

Labcorp Genetics (formerly Invitae), Labcorp
Classification: Uncertain significance for Multiple congenital anomalies-hypotonia-seizures syndrome 1. Last evaluated: 2021-08-30. Review status: criteria provided, single submitter. Criteria: Invitae Variant Classification Sherloc (09022015). Collection method: clinical testing. Allele origin: germline.
Comment: This sequence change replaces arginine with glutamine at codon 777 of the PIGN protein (p.Arg777Gln). The arginine residue is moderately conserved and there is a small physicochemical difference between arginine and glutamine. This variant is not present in population databases (ExAC no frequency). This variant has not been reported in the literature in individuals affected with PIGN-related conditions. Algorithms developed to predict the effect of missense changes on protein structure and function are either unavailable or do not agree on the potential impact of this missense change (SIFT: "Tolerated"; PolyPhen-2: "Probably Damaging"; Align-GVGD: "Class C0"). In summary, the available evidence is currently insufficient to determine the role of this variant in disease. Therefore, it has been classified as a Variant of Uncertain Significance.

Ambry Genetics
Classification: Uncertain significance for Inborn genetic diseases. Last evaluated: 2017-06-14. Review status: criteria provided, single submitter. Criteria: Ambry Variant Classification Scheme 2023. Collection method: clinical testing. Allele origin: germline.
Comment: The p.R777Q variant (also known as c.2330G>A), located in coding exon 22 of the PIGN gene, results from a G to A substitution at nucleotide position 2330. The arginine at codon 777 is replaced by glutamine, an amino acid with highly similar properties. This amino acid position is highly conserved in available vertebrate species. In addition, the in silico prediction for this alteration is inconclusive. Since supporting evidence is limited at this time, the clinical significance of this alteration remains unclear.